The following is an entry in ClinVar:

NM_001040108.2(MLH3):c.424G>A (p.Ala142Thr)

Gene: MLH3 (mutL homolog 3; minus strand). Cytogenetic location: 14q24.3.
Variant type: single nucleotide variant.
Coding change: c.424G>A on transcript NM_001040108.2 (MANE Select); coding-DNA position 424, G replaced by A.
Protein change: p.Ala142Thr; replaces alanine 142 with threonine.
Molecular consequence: missense variant.
Genome position (GRCh38, 1-based): chr14:75,049,232, C>T on the plus strand (G>A on the coding strand, the complement: MLH3 is on the minus strand). VCF-style: chr14-75049232-C-T. GRCh37 (hg19) VCF-style: chr14-75515935-C-T.
Other names: c.424G>A, p.Ala142Thr (NM_014381.3); short protein forms A142T.
Identifiers: ClinVar variation 1367766 (VCV001367766.8), dbSNP rs745639930, ClinGen allele CA7276034.

ClinVar aggregate classification (germline): Uncertain significance (1 of 4 stars; one submission).

Conditions:
Colorectal cancer, hereditary nonpolyposis, type 7. Identifiers: Orphanet 144, MedGen C1858380, MONDO:0013725, OMIM 614385.

gnomAD v4.1: 21 of 1,614,066 alleles (0.0013%); highest among the groups gnomAD compares: South Asian, 0.012%; no homozygotes.

Submission:

Labcorp Genetics (formerly Invitae), Labcorp
Classification: Uncertain significance for Colorectal cancer, hereditary nonpolyposis, type 7. Last evaluated: 2025-02-02. Review status: criteria provided, single submitter. Criteria: Invitae Variant Classification Sherloc (09022015). Collection method: clinical testing. Allele origin: germline.
Comment: This sequence change replaces alanine, which is neutral and non-polar, with threonine, which is neutral and polar, at codon 142 of the MLH3 protein (p.Ala142Thr). This variant is present in population databases (rs745639930, gnomAD 0.01%). This variant has not been reported in the literature in individuals affected with MLH3-related conditions. ClinVar contains an entry for this variant (Variation ID: 1367766). An algorithm developed to predict the effect of missense changes on protein structure and function outputs the following: PolyPhen-2: "Benign". The threonine amino acid residue is found in multiple mammalian species, which suggests that this missense change does not adversely affect protein function. In summary, the available evidence is currently insufficient to determine the role of this variant in disease. Therefore, it has been classified as a Variant of Uncertain Significance.